The following is an entry in ClinVar:

ClinVar aggregate classification (germline): Likely benign (1 of 4 stars; one submission).

Conditions:
POLD1-related polyposis and colorectal cancer syndrome (CRCS10). Also called: Colorectal cancer 10; COLORECTAL CANCER, SUSCEPTIBILITY TO, ON CHROMOSOME 19q; Colorectal cancer, susceptibility to, 10. Identifiers: Orphanet 220460, MedGen C2675481, MONDO:0012953, OMIM 612591.

Submission:

Myriad Genetics, Inc.
Classification: Likely benign for POLD1-related polyposis and colorectal cancer syndrome. Last evaluated: 2025-02-06. Review status: criteria provided, single submitter. Criteria: Myriad Autosomal Dominant, Autosomal Recessive and X-Linked Classification Criteria (2023). Collection method: clinical testing. Allele origin: unknown.
Comment: This variant is considered likely benign. This variant is intronic and is not expected to impact mRNA splicing.

NM_002691.4(POLD1):c.1384-18_1384-15dup

Gene: POLD1 (DNA polymerase delta 1, catalytic subunit; plus strand). Cytogenetic location: 19q13.33.
Variant type: Duplication.
Coding change: c.1384-18_1384-15dup on transcript NM_002691.4 (MANE Select); 18 bases into the intron before coding-DNA position 1384 through 15 bases into the intron before coding-DNA position 1384, 4 bases duplicated (GCCC; older notation c.1384-18_1384-15dupGCCC).
Molecular consequence: intron variant.
Genome position (GRCh38, 1-based): chr19:50,406,389-50,406,392, GCCC duplicated. VCF-style (leftmost placement, unchanged base first): chr19-50406388-A-AGCCC. GRCh37 (hg19) VCF-style: chr19-50909645-A-AGCCC.
Other names: c.1384-18_1384-15dup (NM_001256849.1, NM_001308632.1).
Identifiers: ClinVar variation 3904154 (VCV003904154.1).